The following is an entry in ClinVar:

ClinVar aggregate classification (germline): Uncertain significance (1 of 4 stars; one submission).

Conditions:
Inborn genetic diseases. Identifiers: MedGen C0950123, MeSH D030342.

gnomAD v4.1: 1 of 1,613,762 alleles (0.000062%); highest among the groups gnomAD compares: Non-Finnish European, 0.000085%; no homozygotes.

Submission:

Ambry Genetics
Classification: Uncertain significance for Inborn genetic diseases. Last evaluated: 2025-12-29. Review status: criteria provided, single submitter. Criteria: Ambry Variant Classification Scheme 2023. Collection method: clinical testing. Allele origin: germline.
Comment: The p.P887S variant (also known as c.2659C>T), located in coding exon 11 of the MECOM gene, results from a C to T substitution at nucleotide position 2659. The proline at codon 887 is replaced by serine, an amino acid with similar properties. This amino acid position is conserved. In addition, this alteration is predicted to be tolerated by in silico analysis. Based on the available evidence, the clinical significance of this variant remains unclear.

NM_004991.4(MECOM):c.2659C>T (p.Pro887Ser)

Gene: MECOM (MDS1 and EVI1 complex locus; minus strand). Cytogenetic location: 3q26.2.
Variant type: single nucleotide variant.
Coding change: c.2659C>T on transcript NM_004991.4 (MANE Select); coding-DNA position 2659, C replaced by T.
Protein change: p.Pro887Ser; replaces proline 887 with serine.
Molecular consequence: missense variant.
Genome position (GRCh38, 1-based): chr3:169,102,172, G>A on the plus strand (C>T on the coding strand, the complement: MECOM is on the minus strand). VCF-style: chr3-169102172-G-A. GRCh37 (hg19) VCF-style: chr3-168819960-G-A.
Other names: c.2290C>T, p.Pro764Ser (NM_001105077.4); c.2095C>T, p.Pro699Ser (NM_001105078.4, NM_001205194.2, NM_001366469.2 and 1 more transcripts); c.2071C>T, p.Pro691Ser (NM_001163999.2, NM_001366470.2); c.2068C>T, p.Pro690Ser (NM_001164000.2, NM_001366471.2, NM_001366472.2); c.2632C>T, p.Pro878Ser (NM_001366466.2); c.2098C>T, p.Pro700Ser (NM_001366467.2, NM_001366468.2); c.1660C>T, p.Pro554Ser (NM_001366473.2); c.1096C>T, p.Pro366Ser (NM_001366474.2); short protein forms P554S, P699S, P690S, P691S, P887S, P366S, P764S, P878S.
Identifiers: ClinVar variation 4842765 (VCV004842765.1).
Genomic context (GRCh38, chr3:169,102,172, plus strand): 5'-TGGGAGGCGCCCTGAAGTTGAACATAGAGGGCACTGACTGTAAGAGCTCACTGGCCTCAG[G>A]TTTCAGGGCACTGAAGCTCTCTAGCTTTTCTGCCATGTTTTCAATAGCTGACATCTGAAA-3'
Protein context (NP_004982.2, residues 877-897): EKLESFSALK[Pro887Ser]EASELLQSVP